The following is an entry in ClinVar:

NM_198576.4(AGRN):c.391G>A (p.Glu131Lys)

Genes: AGRN (agrin; plus strand), LOC126805576 (P300/CBP strongly-dependent group 1 enhancer GRCh37_chr1:956772-957971; plus strand). Cytogenetic location: 1p36.33.
Variant type: single nucleotide variant.
Coding change: c.391G>A on transcript NM_198576.4 (MANE Select); coding-DNA position 391, G replaced by A.
Protein change: p.Glu131Lys; replaces glutamic acid 131 with lysine.
Molecular consequence: missense variant.
Genome position (GRCh38, 1-based): chr1:1,022,390, G>A. VCF-style: chr1-1022390-G-A. GRCh37 (hg19) VCF-style: chr1-957770-G-A.
Other names: c.391G>A, p.Glu131Lys (NM_001305275.2); short protein forms E131K.
Identifiers: ClinVar variation 657583 (VCV000657583.4), dbSNP rs746643534, ClinGen allele CA16734386.
Genomic context (GRCh38, chr1:1,022,390, plus strand): 5'-GACACCAGGATCTTCTTTGTGAACCCTGCACCCCCATACCTGTGGCCAGCCCACAAGAAC[G>A]AGCTGATGCTCAACTCCAGCCTCATGCGGATCACCCTGCGGAACCTGGAGGAGGTGGAGT-3'
Protein context (NP_940978.2, residues 121-141): PPYLWPAHKN[Glu131Lys]LMLNSSLMRI

ClinVar aggregate classification (germline): Uncertain significance (1 of 4 stars; one submission).

Conditions:
Congenital myasthenic syndrome 8. Also called: MYASTHENIC SYNDROME, CONGENITAL, DUE TO AGRIN DEFICIENCY; Myasthenic syndrome, congenital, 8, with pre- and postsynaptic defects. Identifiers: Orphanet 590, MedGen C3808739, MONDO:0014052, OMIM 615120.

Allele frequency attached by ClinVar (database versions not stated): gnomAD exomes 0.00001; TOPMed 0.00003; gnomAD 0.00001.
gnomAD v4.1: 18 of 1,613,278 alleles (0.0011%); highest among the groups gnomAD compares: African/African-American, 0.0027%; no homozygotes.

Submission:

Labcorp Genetics (formerly Invitae), Labcorp
Classification: Uncertain significance for Congenital myasthenic syndrome 8. Last evaluated: 2022-10-17. Review status: criteria provided, single submitter. Criteria: Invitae Variant Classification Sherloc (09022015). Collection method: clinical testing. Allele origin: germline.
Comment: This sequence change replaces glutamic acid, which is acidic and polar, with lysine, which is basic and polar, at codon 131 of the AGRN protein (p.Glu131Lys). This variant is present in population databases (rs746643534, gnomAD 0.004%). This variant has not been reported in the literature in individuals affected with AGRN-related conditions. ClinVar contains an entry for this variant (Variation ID: 657583). Algorithms developed to predict the effect of missense changes on protein structure and function are either unavailable or do not agree on the potential impact of this missense change (SIFT: "Deleterious"; PolyPhen-2: "Benign"; Align-GVGD: "Class C0"). In summary, the available evidence is currently insufficient to determine the role of this variant in disease. Therefore, it has been classified as a Variant of Uncertain Significance.